The following is an entry in ClinVar:

NM_001036.6(RYR3):c.1289C>T (p.Ala430Val)

Gene: RYR3 (ryanodine receptor 3; plus strand). Cytogenetic location: 15q14.
Variant type: single nucleotide variant.
Coding change: c.1289C>T on transcript NM_001036.6 (MANE Select); coding-DNA position 1289, C replaced by T.
Protein change: p.Ala430Val; replaces alanine 430 with valine.
Molecular consequence: missense variant.
Genome position (GRCh38, 1-based): chr15:33,579,996, C>T. VCF-style: chr15-33579996-C-T. GRCh37 (hg19) VCF-style: chr15-33872197-C-T.
Other names: c.1289C>T, p.Ala430Val (NM_001243996.4); c.1289C>T (NM_001036.3); short protein forms A430V.
Identifiers: ClinVar variation 1003232 (VCV001003232.9), dbSNP rs752007601, ClinGen allele CA7458095.

ClinVar aggregate classification (germline): Uncertain significance. Review status: criteria provided, multiple submitters, no conflicts (2 of 4 stars). 2 submissions from 2 submitters: Uncertain significance (2). Last evaluated 2025-09-10.

Conditions:
Epileptic encephalopathy. Identifiers: MedGen C0543888, HP:0200134.

Allele frequency attached by ClinVar (database versions not stated): gnomAD exomes 0.00001 and 0.00007; TOPMed 0.00001; ExAC 0.00002; gnomAD 0.00002.

Submissions (2):

Ambry Genetics
Classification: Uncertain significance. Last evaluated: 2025-09-10. Review status: criteria provided, single submitter. Criteria: Ambry Variant Classification Scheme 2023. Collection method: clinical testing. Allele origin: germline.

Labcorp Genetics (formerly Invitae), Labcorp
Classification: Uncertain significance for Epileptic encephalopathy. Last evaluated: 2022-03-19. Review status: criteria provided, single submitter. Criteria: Invitae Variant Classification Sherloc (09022015). Collection method: clinical testing. Allele origin: germline.
Comment: This variant has not been reported in the literature in individuals affected with RYR3-related conditions. This sequence change replaces alanine, which is neutral and non-polar, with valine, which is neutral and non-polar, at codon 430 of the RYR3 protein (p.Ala430Val). This variant is present in population databases (rs752007601, gnomAD 0.002%). ClinVar contains an entry for this variant (Variation ID: 1003232). In summary, the available evidence is currently insufficient to determine the role of this variant in disease. Therefore, it has been classified as a Variant of Uncertain Significance. Algorithms developed to predict the effect of missense changes on protein structure and function are either unavailable or do not agree on the potential impact of this missense change (SIFT: "Deleterious"; PolyPhen-2: "Benign"; Align-GVGD: "Class C0").